The following is an entry in ClinVar:

NM_000043.6(FAS):c.15G>C (p.Trp5Cys)

Genes: ACTA2 (actin alpha 2, smooth muscle; minus strand), FAS (Fas cell surface death receptor; plus strand). Cytogenetic location: 10q23.31.
Variant type: single nucleotide variant.
Coding change: c.15G>C on transcript NM_000043.6 (MANE Select); coding-DNA position 15, G replaced by C.
Protein change: p.Trp5Cys; replaces tryptophan 5 with cysteine.
Molecular consequence: missense variant. On other transcripts: non-coding transcript variant (5), intron variant (7).
Genome position (GRCh38, 1-based): chr10:88,990,891, G>C. VCF-style: chr10-88990891-G-C. GRCh37 (hg19) VCF-style: chr10-90750648-G-C.
Other names: c.15G>C, p.Trp5Cys (NM_001320619.2, NM_152871.4, NM_152872.4); c.-24+131C>G (NM_001406467.1, NM_001320855.2); c.-182+131C>G (NM_001406462.1); c.-24+48C>G (NM_001406468.1, NM_001406471.1, NM_001141945.3); c.-182+48C>G (NM_001406463.1); short protein forms W5C.
Identifiers: ClinVar variation 2195501 (VCV002195501.3), dbSNP rs1290926270, ClinGen allele CA377505795.

ClinVar aggregate classification (germline): Uncertain significance (1 of 4 stars; one submission).

Conditions:
Autoimmune lymphoproliferative syndrome type 1. Also called: AUTOIMMUNE LYMPHOPROLIFERATIVE SYNDROME, TYPE I, AUTOSOMAL DOMINANT. Identifiers: Orphanet 3261, MedGen C2717884, MONDO:0011158, OMIM 601859.

Allele frequency attached by ClinVar (database versions not stated): TOPMed below 0.00001.
gnomAD v4.1: 1 of 1,614,240 alleles (0.000062%); highest among the groups gnomAD compares: African/African-American, 0.0013%; no homozygotes.

Submission:

Labcorp Genetics (formerly Invitae), Labcorp
Classification: Uncertain significance for Autoimmune lymphoproliferative syndrome. Last evaluated: 2022-09-01. Review status: criteria provided, single submitter. Criteria: Invitae Variant Classification Sherloc (09022015). Collection method: clinical testing. Allele origin: germline.
Comment: In summary, the available evidence is currently insufficient to determine the role of this variant in disease. Therefore, it has been classified as a Variant of Uncertain Significance. Algorithms developed to predict the effect of missense changes on protein structure and function are either unavailable or do not agree on the potential impact of this missense change (SIFT: "Not Available"; PolyPhen-2: "Possibly Damaging"; Align-GVGD: "Not Available"). This variant has not been reported in the literature in individuals affected with FAS-related conditions. This variant is not present in population databases (gnomAD no frequency). This sequence change replaces tryptophan, which is neutral and slightly polar, with cysteine, which is neutral and slightly polar, at codon 5 of the FAS protein (p.Trp5Cys).